The following is an entry in ClinVar:

ClinVar aggregate classification (germline): Uncertain significance (1 of 4 stars; one submission).

Conditions:
Congenital muscular dystrophy due to integrin alpha-7 deficiency. Also called: MYOPATHY, CONGENITAL, DUE TO INTEGRIN ALPHA-7 DEFICIENCY; Congenital muscular dystrophy with integrin alpha-7 deficiency; Muscular dystrophy, congenital, due to ITGA7 deficiency. Identifiers: Orphanet 34520, MedGen C2750786, MONDO:0013177, OMIM 613204.

Submission:

Labcorp Genetics (formerly Invitae), Labcorp
Classification: Uncertain significance for Congenital muscular dystrophy due to integrin alpha-7 deficiency. Last evaluated: 2022-08-21. Review status: criteria provided, single submitter. Criteria: Invitae Variant Classification Sherloc (09022015). Collection method: clinical testing. Allele origin: germline.
Comment: ClinVar contains an entry for this variant (Variation ID: 1384253). Algorithms developed to predict the effect of missense changes on protein structure and function are either unavailable or do not agree on the potential impact of this missense change (SIFT: "Deleterious"; PolyPhen-2: "Benign"; Align-GVGD: "Class C0"). In summary, the available evidence is currently insufficient to determine the role of this variant in disease. Therefore, it has been classified as a Variant of Uncertain Significance. This variant has not been reported in the literature in individuals affected with ITGA7-related conditions. This sequence change replaces methionine, which is neutral and non-polar, with leucine, which is neutral and non-polar, at codon 690 of the ITGA7 protein (p.Met690Leu). This variant is not present in population databases (gnomAD no frequency).

NM_002206.3(ITGA7):c.2068A>T (p.Met690Leu)

Genes: ITGA7 (integrin subunit alpha 7; minus strand), LOC126861535 (CDK7 strongly-dependent group 2 enhancer GRCh37_chr12:56087579-56088778; plus strand). Cytogenetic location: 12q13.2.
Variant type: single nucleotide variant.
Coding change: c.2068A>T on transcript NM_002206.3 (MANE Select); coding-DNA position 2068, A replaced by T.
Protein change: p.Met690Leu; replaces methionine 690 with leucine.
Molecular consequence: missense variant.
Genome position (GRCh38, 1-based): chr12:55,694,906, T>A on the plus strand (A>T on the coding strand, the complement: ITGA7 is on the minus strand). VCF-style: chr12-55694906-T-A. GRCh37 (hg19) VCF-style: chr12-56088690-T-A.
Other names: c.2080A>T, p.Met694Leu (NM_001144996.2); c.1789A>T, p.Met597Leu (NM_001144997.2); c.1741A>T, p.Met581Leu (NM_001367993.1); c.724A>T, p.Met242Leu (NM_001367994.1); c.2050A>T, p.Met684Leu (NM_001374465.1); c.2200A>T, p.Met734Leu (NM_001410977.1); c.2062A>T, p.Met688Leu (NM_001414029.1); c.1993A>T, p.Met665Leu (NM_001414030.1); and 4 more; short protein forms M581L, M684L, M242L, M690L, M597L, M694L, M734L, M629L.
Identifiers: ClinVar variation 1384253 (VCV001384253.6), dbSNP rs2136003763, ClinGen allele CA385184413.